The following is an entry in ClinVar:

NM_001039141.3(TRIOBP):c.5936T>C (p.Leu1979Pro)

Gene: TRIOBP (TRIO and F-actin binding protein; plus strand). Cytogenetic location: 22q13.1.
Variant type: single nucleotide variant.
Coding change: c.5936T>C on transcript NM_001039141.3 (MANE Select); coding-DNA position 5936, T replaced by C.
Protein change: p.Leu1979Pro; replaces leucine 1979 with proline.
Molecular consequence: missense variant.
Genome position (GRCh38, 1-based): chr22:37,757,861, T>C. VCF-style: chr22-37757861-T-C. GRCh37 (hg19) VCF-style: chr22-38153868-T-C.
Other names: c.797T>C, p.Leu266Pro (NM_007032.5, NM_138632.2); short protein forms L1979P, L266P.
Identifiers: ClinVar variation 165603 (VCV000165603.8), dbSNP rs727503524, ClinGen allele CA178347.

ClinVar aggregate classification (germline): Uncertain significance. Review status: criteria provided, multiple submitters, no conflicts (2 of 4 stars). 2 submissions from 2 submitters: Uncertain significance (2). Last evaluated 2023-06-20.

Allele frequency attached by ClinVar (database versions not stated): gnomAD below 0.00001 and 0.00002; gnomAD exomes 0.00010; 1000 Genomes Project 30x 0.00016; ExAC 0.00058.
gnomAD v4.1: 56 of 1,552,412 alleles (0.0036%); highest among the groups gnomAD compares: South Asian, 0.063%; 1 homozygote.

Submissions (2):

GeneDx
Classification: Uncertain significance. Last evaluated: 2023-06-20. Review status: criteria provided, single submitter. Criteria: GeneDx Variant Classification Process June 2021. Collection method: clinical testing. Allele origin: germline. Affected: yes.
Comment: In silico analysis supports that this missense variant has a deleterious effect on protein structure/function; Has not been previously published as pathogenic or benign to our knowledge

Laboratory for Molecular Medicine, Mass General Brigham Personalized Medicine
Classification: Uncertain significance. Last evaluated: 2014-08-13. Review status: criteria provided, single submitter. Criteria: LMM Criteria. Collection method: clinical testing. Allele origin: germline. Observed: 1 variant allele.
Comment: The Leu1979Pro variant in TRIOBP has not been previously reported in individuals with hearing loss and data from large population studies are insufficient to as sess the frequency of this variant. Computational prediction tools and conservat ion analyses do not provide strong support for or against an impact to the prote in. In summary, the clinical significance of the Leu1979Pro variant is uncertain .